The following is an entry in ClinVar:

NM_212482.4(FN1):c.1676-1G>C

Gene: FN1 (fibronectin 1; minus strand). Cytogenetic location: 2q35.
Variant type: single nucleotide variant.
Coding change: c.1676-1G>C on transcript NM_212482.4 (MANE Select); the canonical splice acceptor site of the intron before coding-DNA position 1676, G replaced by C.
Molecular consequence: splice acceptor variant.
Genome position (GRCh38, 1-based): chr2:215,419,386, C>G on the plus strand (G>C on the coding strand, the complement: FN1 is on the minus strand). VCF-style: chr2-215419386-C-G. GRCh37 (hg19) VCF-style: chr2-216284109-C-G.
Other names: c.1676-1G>C (NM_212474.3, NM_001306132.2, NM_001365523.2 and 14 more transcripts).
Identifiers: ClinVar variation 1395396 (VCV001395396.6), dbSNP rs2106389553, ClinGen allele CA350467499.

ClinVar aggregate classification (germline): Uncertain significance (1 of 4 stars; one submission).

Submission:

Labcorp Genetics (formerly Invitae), Labcorp
Classification: Uncertain significance. Last evaluated: 2021-11-27. Review status: criteria provided, single submitter. Criteria: Invitae Variant Classification Sherloc (09022015). Collection method: clinical testing. Allele origin: germline.
Comment: This variant has not been reported in the literature in individuals affected with FN1-related conditions. This sequence change affects an acceptor splice site in intron 11 of the FN1 gene. It is expected to disrupt RNA splicing. Variants that disrupt the donor or acceptor splice site typically lead to a loss of protein function (PMID: 16199547), however the current clinical and genetic evidence is not sufficient to establish whether loss-of-function variants in FN1 cause disease. This variant is not present in population databases (gnomAD no frequency). In summary, the available evidence is currently insufficient to determine the role of this variant in disease. Therefore, it has been classified as a Variant of Uncertain Significance.

Literature cited by the submitters: PubMed 16199547.